The following is an entry in ClinVar:

ClinVar aggregate classification (germline): Uncertain significance. Review status: criteria provided, multiple submitters, no conflicts (2 of 4 stars). 3 submissions from 3 submitters: Uncertain significance (3). Last evaluated 2022-12-27.

Conditions:
Inborn genetic diseases. Identifiers: MedGen C0950123, MeSH D030342.

Allele frequency attached by ClinVar (database versions not stated): TOPMed below 0.00001; gnomAD 0.00001; gnomAD exomes 0.00001 and 0.00002.
gnomAD v4.1: 19 of 1,545,722 alleles (0.0012%); highest among the groups gnomAD compares: East Asian, 0.0073%; no homozygotes.

Submissions (3):

GeneDx
Classification: Uncertain significance. Last evaluated: 2022-12-27. Review status: criteria provided, single submitter. Criteria: GeneDx Variant Classification Process June 2021. Collection method: clinical testing. Allele origin: germline. Affected: yes.
Comment: In silico analysis supports that this missense variant has a deleterious effect on protein structure/function; Has not been previously published as pathogenic or benign to our knowledge

Ambry Genetics
Classification: Uncertain significance for Inborn genetic diseases. Last evaluated: 2022-01-19. Review status: criteria provided, single submitter. Criteria: Ambry Variant Classification Scheme 2023. Collection method: clinical testing. Allele origin: germline.

Laboratory for Molecular Medicine, Mass General Brigham Personalized Medicine
Classification: Uncertain significance. Last evaluated: 2014-01-03. Review status: criteria provided, single submitter. Criteria: LMM Criteria. Collection method: clinical testing. Allele origin: germline. Observed: 1 variant allele.
Comment: The Arg1422Cys variant in MYH14 has not been previously reported in individuals with hearing loss. Data from large population studies is insufficient to assess the frequency of this variant. Computational analyses (amino acid biochemical p roperties, conservation, AlignGVGD, PolyPhen2, SIFT) do not provide strong evide nce for or against an impact to the protein. In summary, additional information is necessary to assess the clinical significance of this variant.

NM_001145809.2(MYH14):c.4264C>T (p.Arg1422Cys)

Gene: MYH14 (myosin heavy chain 14; plus strand). Cytogenetic location: 19q13.33.
Variant type: single nucleotide variant.
Coding change: c.4264C>T on transcript NM_001145809.2 (MANE Select); coding-DNA position 4264, C replaced by T.
Protein change: p.Arg1422Cys; replaces arginine 1422 with cysteine.
Molecular consequence: missense variant.
Genome position (GRCh38, 1-based): chr19:50,280,357, C>T. VCF-style: chr19-50280357-C-T. GRCh37 (hg19) VCF-style: chr19-50783614-C-T.
Other names: c.4165C>T, p.Arg1389Cys (NM_001077186.2); c.4141C>T, p.Arg1381Cys (NM_024729.4); c.4141C>T (NM_024729.3); short protein forms R1422C, R1389C, R1381C.
Identifiers: ClinVar variation 164192 (VCV000164192.7), dbSNP rs727503226, ClinGen allele CA176908.
Genomic context (GRCh38, chr19:50,280,357, plus strand): 5'-GAGGCAGCCGGGCTGCGTGAGCAGCTGGAGGAGGAGGCAGCTGCCAGGGAACGGGCGGGC[C>T]GTGAACTGCAGACTGCCCAGGCCCAGGTGAGCAGCCCTACGTAAGACCTTCAGGGAGGCA-3'
Protein context (NP_001139281.1, residues 1412-1432): EEAAARERAG[Arg1422Cys]ELQTAQAQLS